The following is an entry in ClinVar:

NM_182914.3(SYNE2):c.*221T>C

Gene: SYNE2 (spectrin repeat containing nuclear envelope protein 2; plus strand). Cytogenetic location: 14q23.2.
Variant type: single nucleotide variant.
Coding change: c.*221T>C on transcript NM_182914.3 (MANE Select); 221 bases downstream of the stop codon, T replaced by C.
Molecular consequence: 3 prime UTR variant.
Genome position (GRCh38, 1-based): chr14:64,225,747, T>C. VCF-style: chr14-64225747-T-C. GRCh37 (hg19) VCF-style: chr14-64692465-T-C.
Other names: c.*221T>C (NM_015180.6, NM_182910.2, NM_182913.4).
Identifiers: ClinVar variation 313677 (VCV000313677.7), dbSNP rs1048315, ClinGen allele CA10635060.

ClinVar aggregate classification (germline): Benign. Review status: criteria provided, multiple submitters, no conflicts (2 of 4 stars). 3 submissions from 3 submitters: Benign (3). Last evaluated 2018-07-09.

Conditions:
Emery-Dreifuss muscular dystrophy 5, autosomal dominant (EDMD5). Also called: EMERY-DREIFUSS MUSCULAR DYSTROPHY 5. Identifiers: Orphanet 261, MedGen C2751805, MONDO:0013072, OMIM 612999.

Allele frequency attached by ClinVar (database versions not stated): gnomAD exomes 0.14275; gnomAD 0.23972 and 0.24247; TOPMed 0.25350; 1000 Genomes Project 0.33446; 1000 Genomes Project 30x 0.33776.
gnomAD v4.1: 102,241 of 610,564 alleles (17%); highest among the groups gnomAD compares: African/African-American, 52%; 14,199 homozygotes.

Submissions (3):

GeneDx
Classification: Benign. Last evaluated: 2018-07-09. Review status: criteria provided, single submitter. Criteria: GeneDx Variant Classification Process June 2021. Collection method: clinical testing. Allele origin: germline. Affected: yes.

Illumina Laboratory Services, Illumina
Classification: Benign for Emery-Dreifuss muscular dystrophy 5, autosomal dominant. Last evaluated: 2018-01-12. Review status: criteria provided, single submitter. Criteria: ICSL Variant Classification Criteria 13 December 2019. Collection method: clinical testing. Allele origin: germline.
Comment: This variant was observed in the ICSL laboratory as part of a predisposition screen in an ostensibly healthy population. It had not been previously curated by ICSL or reported in the Human Gene Mutation Database (HGMD: prior to June 1st, 2018), and was therefore a candidate for classification through an automated scoring system. Utilizing variant allele frequency, disease prevalence and penetrance estimates, and inheritance mode, an automated score was calculated to assess if this variant is too frequent to cause the disease. Based on the score and internal cut-off values, a variant classified as benign is not then subjected to further curation. The score for this variant resulted in a classification of benign for this disease.

Breakthrough Genomics
Classification: Benign. Review status: criteria provided, single submitter. Criteria: ACMG Guidelines, 2015. Collection method: not provided. Allele origin: germline. Inheritance: Autosomal dominant inheritance. Affected: yes.